The following is an entry in ClinVar:

NM_201378.4(PLEC):c.71-5077G>A

Gene: PLEC (plectin; minus strand). Cytogenetic location: 8q24.3.
Variant type: single nucleotide variant.
Coding change: c.71-5077G>A on transcript NM_201378.4 (MANE Plus Clinical); 5077 bases into the intron before coding-DNA position 71, G replaced by A.
Molecular consequence: intron variant.
Genome position (GRCh38, 1-based): chr8:143,943,769, C>T on the plus strand (G>A on the coding strand, the complement: PLEC is on the minus strand). VCF-style: chr8-143943769-C-T. GRCh37 (hg19) VCF-style: chr8-145017937-C-T.
Other names: c.194-5077G>A (NM_001410941.1, NM_000445.5); c.47-5077G>A (NM_201379.3); c.524-5077G>A (NM_201380.4); c.16+879G>A (NM_201381.3); c.112+10G>A (NM_201382.4).
Identifiers: ClinVar variation 3054506 (VCV003054506.3), dbSNP rs73377225, ClinGen allele CA4928778.
Genomic context (GRCh38, chr8:143,943,769, plus strand): 5'-ATGAAGGGGCGGGAGGCAGGCGGCCCCTCTGCCCCGCCTCGAGTCCCTGGCAGCCACCAG[C>T]GGGGCTTACCTTGCTCGTCCTGCGCCCACCGACGTCCCCTGCGCCAGTGCCACACAGCGG-3'

ClinVar aggregate classification (germline): Likely benign. Review status: criteria provided, single submitter (1 of 4 stars). 2 submissions from 2 submitters: Likely benign (1). 1 of the submissions does not count toward it. Last evaluated 2024-03-07.

Conditions:
PLEC-related disorder. Also called: PLEC-related disorders; PLEC-related condition.

Submissions (2):

Blueprint Genetics
Classification: Likely benign. Last evaluated: 2024-03-07. Review status: criteria provided, single submitter. Criteria: ACMG Guidelines, 2015. Collection method: clinical testing. Allele origin: germline.

PreventionGenetics, part of Exact Sciences
Classification: Likely benign for PLEC-related condition. Last evaluated: 2023-06-26. Review status: no assertion criteria provided. Collection method: clinical testing. Allele origin: germline. Not counted in ClinVar's aggregate classification.
Comment: This variant is classified as likely benign based on ACMG/AMP sequence variant interpretation guidelines (Richards et al. 2015 PMID: 25741868, with internal and published modifications).